The following is an entry in ClinVar:

ClinVar aggregate classification (germline): Likely pathogenic (1 of 4 stars; one submission).

Conditions:
Congenital neutropenia-myelofibrosis-nephromegaly syndrome. Also called: Severe congenital neutropenia 5, autosomal recessive. Identifiers: Orphanet 369852, MedGen C3809031, MONDO:0014118, OMIM 615285.

Submission:

Natera, Inc.
Classification: Likely pathogenic for Autosomal recessive severe congenital neutropenia 5. Last evaluated: 2025-05-13. Review status: criteria provided, single submitter. Criteria: Natera Variant Classification Schema (03/2026). Collection method: clinical testing. Allele origin: germline.
Comment: The c.702del variant in VPS45 is a frameshift variant predicted to shift the reading frame beginning at codon 235 and leads to a stop codon 6 codons downstream. This variant is expected to result in nonsense mediated decay, truncation, or a dysfunctional protein product. This variant is rare in the general population with a frequency below the threshold expected for the associated phenotype(s). Given the available evidence, this variant is classified as Likely Pathogenic.

NM_007259.5(VPS45):c.702del (p.Met235fs)

Gene: VPS45 (vacuolar protein sorting 45 homolog; plus strand). Cytogenetic location: 1q21.2.
Variant type: Deletion.
Coding change: c.702del on transcript NM_007259.5 (MANE Select); coding-DNA position 702, one base deleted (C; older notation c.702delC).
Protein change: p.Met235fs; shifts the reading frame from methionine 235.
Molecular consequence: frameshift variant. On other transcripts: non-coding transcript variant (1).
Genome position (GRCh38, 1-based): chr1:150,081,356, C deleted; the last of 2 consecutive C bases (chr1:150,081,355-150,081,356); deleting either gives the same sequence. VCF-style (leftmost placement, unchanged base first): chr1-150081354-GC-G. GRCh37 (hg19) VCF-style: chr1-150053436-GC-G.
Other names: c.387del, p.Met130fs (NM_001279353.2); c.594del, p.Met199fs (NM_001279354.2); short protein forms M130fs, M199fs, M235fs.
Identifiers: ClinVar variation 4063281 (VCV004063281.2).